The following is an entry in ClinVar:

NM_001184.4(ATR):c.2966G>A (p.Arg989His)

Gene: ATR (ATR checkpoint kinase; minus strand). Cytogenetic location: 3q23.
Variant type: single nucleotide variant.
Coding change: c.2966G>A on transcript NM_001184.4 (MANE Select); coding-DNA position 2966, G replaced by A.
Protein change: p.Arg989His; replaces arginine 989 with histidine.
Molecular consequence: missense variant.
Genome position (GRCh38, 1-based): chr3:142,550,142, C>T on the plus strand (G>A on the coding strand, the complement: ATR is on the minus strand). VCF-style: chr3-142550142-C-T. GRCh37 (hg19) VCF-style: chr3-142268984-C-T.
Other names: c.2774G>A, p.Arg925His (NM_001354579.2); short protein forms R925H, R989H.
Identifiers: ClinVar variation 2496622 (VCV002496622.2), dbSNP rs558627427, ClinGen allele CA84743664.

ClinVar aggregate classification (germline): Uncertain significance (1 of 4 stars; one submission).

Conditions:
Inborn genetic diseases. Identifiers: MedGen C0950123, MeSH D030342.

Allele frequency attached by ClinVar (database versions not stated): gnomAD 0.00001; 1000 Genomes Project 30x 0.00031; 1000 Genomes Project 0.00040.
gnomAD v4.1: 4 of 1,614,012 alleles (0.00025%); highest among the groups gnomAD compares: East Asian, 0.0022%; no homozygotes.

Submission:

Ambry Genetics
Classification: Uncertain significance for Inborn genetic diseases. Last evaluated: 2023-03-02. Review status: criteria provided, single submitter. Criteria: Ambry Variant Classification Scheme 2023. Collection method: clinical testing. Allele origin: germline.
Comment: The p.R989H variant (also known as c.2966G>A), located in coding exon 14 of the ATR gene, results from a G to A substitution at nucleotide position 2966. The arginine at codon 989 is replaced by histidine, an amino acid with highly similar properties. This amino acid position is conserved. In addition, this alteration is predicted to be tolerated by in silico analysis. Since supporting evidence is limited at this time, the clinical significance of this alteration remains unclear.